The following is an entry in ClinVar:

ClinVar aggregate classification (germline): Conflicting classifications of pathogenicity. Review status: criteria provided, conflicting classifications (1 of 4 stars). 13 submissions from 13 submitters: Uncertain significance (6); Benign (1); Likely benign (2). 4 of the submissions do not count toward it. Last evaluated 2025-11-22.

Conditions:
Amyotrophic lateral sclerosis type 4 (ALS4). Also called: AMYOTROPHIC LATERAL SCLEROSIS 4, JUVENILE; NEURONOPATHY, DISTAL HEREDITARY MOTOR, WITH PYRAMIDAL FEATURES. Identifiers: Orphanet 357043, MedGen C1865409, MONDO:0011223, OMIM 602433.
Spinocerebellar ataxia, autosomal recessive, with axonal neuropathy 2 (SCAN2). Also called: Ataxia-ocular apraxia-2; Ataxia with Oculomotor Apraxia; Ataxia with Oculomotor Apraxia Type 2; ATAXIA-OCULOMOTOR APRAXIA 2. Identifiers: Orphanet 64753, MedGen C1853761, MONDO:0018996, OMIM 606002.
Hereditary spastic paraplegia. Also called: Familial spastic paraparesis. Identifiers: Orphanet 685, MedGen C0037773, MONDO:0019064. Disease mechanism: loss of function.
SETX-related disorder. Also called: SETX-related condition; SETX-related disorders. Identifiers: MedGen CN239403.
Inborn genetic diseases. Identifiers: MedGen C0950123, MeSH D030342.

Allele frequency attached by ClinVar (database versions not stated): gnomAD exomes 0.00027 and 0.00015; ExAC 0.00031; TOPMed 0.00070; gnomAD 0.00076 and 0.00080; ESP Exome Variant Server 0.00077; 1000 Genomes Project 0.00080; 1000 Genomes Project 30x 0.00125.
gnomAD v4.1: 349 of 1,614,214 alleles (0.022%); highest among the groups gnomAD compares: Middle Eastern, 0.4%; 1 homozygote.

Submissions (13):

Labcorp Genetics (formerly Invitae), Labcorp
Classification: Likely benign for Amyotrophic lateral sclerosis type 4; Spinocerebellar ataxia, autosomal recessive, with axonal neuropathy 2. Last evaluated: 2025-11-22. Review status: criteria provided, single submitter. Criteria: Invitae Variant Classification Sherloc (09022015). Collection method: clinical testing. Allele origin: germline.

Women's Health and Genetics/Laboratory Corporation of America, LabCorp
Classification: Likely benign. Last evaluated: 2025-11-03. Review status: criteria provided, single submitter. Criteria: LabCorp Variant Classification Summary - May 2015. Collection method: clinical testing. Allele origin: germline.
Comment: Variant summary: SETX c.4982C>G (p.Pro1661Arg) results in a non-conservative amino acid change in the encoded protein sequence. Algorithms developed to predict the effect of missense changes on protein structure and function are either unavailable or do not agree on the potential impact of this missense change. The variant allele was found at a frequency of 0.00027 in 251424 control chromosomes, predominantly at a frequency of 0.002 within the African or African-American subpopulation in the gnomAD database. The observed variant frequency within African or African-American control individuals in the gnomAD database exceeds the estimated maximal expected allele frequency for disease-causing variants in SETX. c.4982C>G has been observed in an unknown state in at least 1 individual(s) affected with ALS without strong evidence for causality (Bartoletti-Stella_2021). These report(s) do not provide unequivocal conclusions about association of the variant with SETX-related conditions. To our knowledge, no experimental evidence demonstrating an impact on protein function has been reported. ClinVar contains an entry for this variant (Variation ID: 468516). The following publications have been ascertained in the context of this evaluation (PMID: 33770234, 32397312). Based on the evidence outlined above, the variant was classified as likely benign.

Athena Diagnostics
Classification: Benign. Last evaluated: 2025-06-02. Review status: criteria provided, single submitter. Criteria: Athena Diagnostics Criteria. Collection method: clinical testing. Allele origin: unknown.
Comment: The frequency of this variant in the general population is higher than would generally be expected for pathogenic variants in this gene. Computational tools predict this amino acid change may be benign. This variant has been seen where an alternate explanation for disease was also identified.

CeGaT Center for Human Genetics Tuebingen
Classification: Uncertain significance. Last evaluated: 2025-03-01. Review status: criteria provided, single submitter. Criteria: CeGaT Center For Human Genetics Tuebingen Variant Classification Criteria Version 2. Collection method: clinical testing. Allele origin: germline. Affected: yes. Observed: 2 variant alleles.

GeneDx
Classification: Uncertain significance. Last evaluated: 2024-03-19. Review status: criteria provided, single submitter. Criteria: GeneDx Variant Classification Process June 2021. Collection method: clinical testing. Allele origin: germline. Affected: yes.
Comment: Reported in single patient from a cohort of individuals with amyotrophic lateral sclerosis; this individual is also reported to harbor a variant in SOD1 (PMID: 33770234); In silico analysis indicates that this missense variant does not alter protein structure/function; This variant is associated with the following publications: (PMID: 33770234)

Mayo Clinic Laboratories, Mayo Clinic
Classification: Uncertain significance. Last evaluated: 2023-06-05. Review status: criteria provided, single submitter. Criteria: ACMG Guidelines, 2015. Collection method: clinical testing. Allele origin: germline. Observed: 2 variant alleles.

Ambry Genetics
Classification: Uncertain significance for Inborn genetic diseases. Last evaluated: 2020-03-03. Review status: criteria provided, single submitter. Criteria: Ambry Variant Classification Scheme 2023. Collection method: clinical testing. Allele origin: germline.
Comment: The p.P1661R variant (also known as c.4982C>G), located in coding exon 8 of the SETX gene, results from a C to G substitution at nucleotide position 4982. The proline at codon 1661 is replaced by arginine, an amino acid with dissimilar properties. This amino acid position is poorly conserved in available vertebrate species. In addition, this alteration is predicted to be tolerated by in silico analysis. Based on the supporting evidence, this variant is unlikely to be causative of juvenile amyotrophic lateral sclerosis 4; however, its contribution to the development of spinocerebellar ataxia with axonal neuropathy 2 is uncertain.

Genome Diagnostics Laboratory, The Hospital for Sick Children
Classification: Uncertain significance for Hereditary spastic paraplegia. Last evaluated: 2019-12-01. Review status: criteria provided, single submitter. Criteria: ACMG Guidelines, 2015. Collection method: clinical testing. Allele origin: germline. Affected: yes.

Fulgent Genetics
Classification: Uncertain significance for Amyotrophic lateral sclerosis type 4; Spinocerebellar ataxia, autosomal recessive, with axonal neuropathy 2. Last evaluated: 2018-10-31. Review status: criteria provided, single submitter. Criteria: ACMG Guidelines, 2015. Collection method: clinical testing. Allele origin: unknown.

PreventionGenetics, part of Exact Sciences
Classification: Likely benign for SETX-related condition. Last evaluated: 2022-08-25. Review status: no assertion criteria provided. Collection method: clinical testing. Allele origin: germline. Not counted in ClinVar's aggregate classification.
Comment: This variant is classified as likely benign based on ACMG/AMP sequence variant interpretation guidelines (Richards et al. 2015 PMID: 25741868, with internal and published modifications).

Clinical Genetics DNA and cytogenetics Diagnostics Lab, Erasmus MC, Erasmus Medical Center
Classification: Likely benign. Review status: no assertion criteria provided. Collection method: clinical testing. Allele origin: germline. Affected: yes. Study: VKGL Data-share Consensus. Not counted in ClinVar's aggregate classification.

Genome Diagnostics Laboratory, Amsterdam University Medical Center
Classification: Likely benign. Review status: no assertion criteria provided. Collection method: clinical testing. Allele origin: germline. Affected: yes. Study: VKGL Data-share Consensus. Not counted in ClinVar's aggregate classification.

Genome Diagnostics Laboratory, University Medical Center Utrecht
Classification: Likely benign. Review status: no assertion criteria provided. Collection method: clinical testing. Allele origin: germline. Affected: yes. Study: VKGL Data-share Consensus. Not counted in ClinVar's aggregate classification.

Literature cited by the submitters: PubMed 32397312 (cited by Women's Health and Genetics/Laboratory Corporation of America, LabCorp and Athena Diagnostics); PubMed 33770234 (cited by 3 submitters).

NM_015046.7(SETX):c.4982C>G (p.Pro1661Arg)

Gene: SETX (senataxin; minus strand). Cytogenetic location: 9q34.13.
Variant type: single nucleotide variant.
Coding change: c.4982C>G on transcript NM_015046.7 (MANE Select); coding-DNA position 4982, C replaced by G.
Protein change: p.Pro1661Arg; replaces proline 1661 with arginine.
Molecular consequence: missense variant.
Genome position (GRCh38, 1-based): chr9:132,326,616, G>C on the plus strand (C>G on the coding strand, the complement: SETX is on the minus strand). VCF-style: chr9-132326616-G-C. GRCh37 (hg19) VCF-style: chr9-135202003-G-C.
Other names: p.Pro1661Arg; c.4982C>G, p.Pro1661Arg (NM_001351527.2, NM_001351528.2); short protein forms P1661R.
Identifiers: ClinVar variation 468516 (VCV000468516.41), dbSNP rs146873848, ClinGen allele CA5297098.